The following is an entry in ClinVar:

ClinVar aggregate classification (germline): Benign. Review status: criteria provided, multiple submitters, no conflicts (2 of 4 stars). 5 submissions from 5 submitters: Benign (5). Last evaluated 2026-02-01.

Conditions:
Cornelia de Lange syndrome 1 (CDLS1). Also called: Brachmann de Lange syndrome; NIPBL-Related Cornelia de Lange Syndrome; TYPUS DEGENERATIVUS AMSTELODAMENSIS. Identifiers: Orphanet 199, MedGen C4551851, MONDO:0007387, OMIM 122470.

Allele frequency attached by ClinVar (database versions not stated): gnomAD exomes 0.00202 and 0.00576; ExAC 0.00722; gnomAD 0.02231 and 0.02404; TOPMed 0.02490; 1000 Genomes Project 0.02516; 1000 Genomes Project 30x 0.02639; ESP Exome Variant Server 0.02669.
gnomAD v4.1: 6,344 of 1,544,352 alleles (0.41%); highest among the groups gnomAD compares: African/African-American, 7.7%; 227 homozygotes.

Submissions (5):

Labcorp Genetics (formerly Invitae), Labcorp
Classification: Benign for Cornelia de Lange syndrome 1. Last evaluated: 2026-02-01. Review status: criteria provided, single submitter. Criteria: Invitae Variant Classification Sherloc (09022015). Collection method: clinical testing. Allele origin: germline.

Genome-Nilou Lab
Classification: Benign for Cornelia de Lange syndrome 1. Last evaluated: 2021-07-15. Review status: criteria provided, single submitter. Criteria: ACMG Guidelines, 2015. Collection method: clinical testing. Allele origin: germline. Affected: no.

GeneDx
Classification: Benign. Last evaluated: 2016-12-07. Review status: criteria provided, single submitter. Criteria: GeneDx Variant Classification (06012015). Collection method: clinical testing. Allele origin: germline. Affected: yes.
Comment: This variant is considered likely benign or benign based on one or more of the following criteria: it is a conservative change, it occurs at a poorly conserved position in the protein, it is predicted to be benign by multiple in silico algorithms, and/or has population frequency not consistent with disease.

Genetic Services Laboratory, University of Chicago
Classification: Benign. Last evaluated: 2013-02-08. Review status: criteria provided, single submitter. Criteria: ACMG Guidelines, 2007. Collection method: clinical testing. Allele origin: germline. Inheritance: Autosomal dominant inheritance.

Breakthrough Genomics
Classification: Benign. Review status: criteria provided, single submitter. Criteria: ACMG Guidelines, 2015. Collection method: not provided. Allele origin: germline. Inheritance: Autosomal dominant inheritance. Affected: yes.

NM_133433.4(NIPBL):c.4561-16C>T

Gene: NIPBL (NIPBL cohesin loading factor; plus strand). Cytogenetic location: 5p13.2.
Variant type: single nucleotide variant.
Coding change: c.4561-16C>T on transcript NM_133433.4 (MANE Select); 16 bases into the intron before coding-DNA position 4561, C replaced by T.
Molecular consequence: intron variant.
Genome position (GRCh38, 1-based): chr5:37,014,667, C>T. VCF-style: chr5-37014667-C-T. GRCh37 (hg19) VCF-style: chr5-37014769-C-T.
Other names: c.4561-16C>T (NM_015384.5).
Identifiers: ClinVar variation 159119 (VCV000159119.15), dbSNP rs115403650, ClinGen allele CA172700.